The following is an entry in ClinVar:

NM_014714.4(IFT140):c.3947A>T (p.Lys1316Met)

Gene: IFT140 (intraflagellar transport 140; minus strand). Cytogenetic location: 16p13.3.
Variant type: single nucleotide variant.
Coding change: c.3947A>T on transcript NM_014714.4 (MANE Select); coding-DNA position 3947, A replaced by T.
Protein change: p.Lys1316Met; replaces lysine 1316 with methionine.
Molecular consequence: missense variant.
Genome position (GRCh38, 1-based): chr16:1,519,974, T>A on the plus strand (A>T on the coding strand, the complement: IFT140 is on the minus strand). VCF-style: chr16-1519974-T-A. GRCh37 (hg19) VCF-style: chr16-1569975-T-A.
Other names: c.3947A>T (NM_014714.3); short protein forms K1316M.
Identifiers: ClinVar variation 1479805 (VCV001479805.7), dbSNP rs1288732698, ClinGen allele CA394224053.

ClinVar aggregate classification (germline): Uncertain significance. Review status: criteria provided, multiple submitters, no conflicts (2 of 4 stars). 2 submissions from 2 submitters: Uncertain significance (2). Last evaluated 2025-08-01.

Conditions:
Saldino-Mainzer syndrome (SRTD9). Also called: Renal dysplasia, retinal pigmentary dystrophy, cerebellar ataxia and skeletal dysplasia; CONORENAL SYNDROME; SHORT-RIB THORACIC DYSPLASIA 9 WITHOUT POLYDACTYLY; short-rib thoracic dysplasia 9 with or without polydactyly. Identifiers: Orphanet 140969, MedGen C1849437, MONDO:0009964, OMIM 266920.
Inborn genetic diseases. Identifiers: MedGen C0950123, MeSH D030342.

Allele frequency attached by ClinVar (database versions not stated): gnomAD exomes 0.00001 and 0.00002; TOPMed 0.00005; gnomAD 0.00006 and 0.00008.
gnomAD v4.1: 16 of 1,606,162 alleles (0.001%); highest among the groups gnomAD compares: Admixed American, 0.024%; no homozygotes.

Submissions (2):

Ambry Genetics
Classification: Uncertain significance for Inborn genetic diseases. Last evaluated: 2025-08-01. Review status: criteria provided, single submitter. Criteria: Ambry Variant Classification Scheme 2023. Collection method: clinical testing. Allele origin: germline.

Labcorp Genetics (formerly Invitae), Labcorp
Classification: Uncertain significance for Saldino-Mainzer syndrome. Last evaluated: 2024-11-05. Review status: criteria provided, single submitter. Criteria: Invitae Variant Classification Sherloc (09022015). Collection method: clinical testing. Allele origin: germline.
Comment: This sequence change replaces lysine, which is basic and polar, with methionine, which is neutral and non-polar, at codon 1316 of the IFT140 protein (p.Lys1316Met). This variant is present in population databases (no rsID available, gnomAD 0.01%). This variant has not been reported in the literature in individuals affected with IFT140-related conditions. ClinVar contains an entry for this variant (Variation ID: 1479805). Invitae Evidence Modeling of protein sequence and biophysical properties (such as structural, functional, and spatial information, amino acid conservation, physicochemical variation, residue mobility, and thermodynamic stability) has been performed for this missense variant. However, the output from this modeling did not meet the statistical confidence thresholds required to predict the impact of this variant on IFT140 protein function. In summary, the available evidence is currently insufficient to determine the role of this variant in disease. Therefore, it has been classified as a Variant of Uncertain Significance.